The following is an entry in ClinVar:

NM_001034850.3(RETREG1):c.18T>G (p.Pro6=)

Genes: RETREG1 (reticulophagy regulator 1; minus strand), RETREG1-AS1 (RETREG1 antisense RNA 1; plus strand), LOC129993734 (ATAC-STARR-seq lymphoblastoid silent region 15947; plus strand). Cytogenetic location: 5p15.1.
Variant type: single nucleotide variant.
Coding change: c.18T>G on transcript NM_001034850.3 (MANE Select); coding-DNA position 18, T replaced by G.
Protein change: p.Pro6=; no amino-acid change (proline 6 retained).
Molecular consequence: synonymous variant.
Genome position (GRCh38, 1-based): chr5:16,616,954, A>C on the plus strand (T>G on the coding strand, the complement: RETREG1 is on the minus strand). VCF-style: chr5-16616954-A-C. GRCh37 (hg19) VCF-style: chr5-16617063-A-C.
Identifiers: ClinVar variation 538137 (VCV000538137.24), dbSNP rs773314283, ClinGen allele CA114976562.

ClinVar aggregate classification (germline): Likely benign. Review status: criteria provided, multiple submitters, no conflicts (2 of 4 stars). 7 submissions from 7 submitters: Likely benign (5). 2 of the submissions do not count toward it. Last evaluated 2026-01-01.

Conditions:
RETREG1-related disorder. Also called: RETREG1-related condition.
Inborn genetic diseases. Identifiers: MedGen C0950123, MeSH D030342.

Allele frequency attached by ClinVar (database versions not stated): TOPMed 0.00021.
gnomAD v4.1: 582 of 1,438,036 alleles (0.04%); highest among the groups gnomAD compares: Non-Finnish European, 0.049%; no homozygotes.

Submissions (7):

CeGaT Center for Human Genetics Tuebingen
Classification: Likely benign. Last evaluated: 2026-01-01. Review status: criteria provided, single submitter. Criteria: CeGaT Center For Human Genetics Tuebingen Variant Classification Criteria Version 2. Collection method: clinical testing. Allele origin: germline. Affected: yes. Observed: 2 variant alleles.
Comment: RETREG1: BP4, BP7

Labcorp Genetics (formerly Invitae), Labcorp
Classification: Likely benign. Last evaluated: 2025-09-27. Review status: criteria provided, single submitter. Criteria: Invitae Variant Classification Sherloc (09022015). Collection method: clinical testing. Allele origin: germline.

PreventionGenetics, part of Exact Sciences
Classification: Likely benign for RETREG1-related condition. Last evaluated: 2025-03-20. Review status: criteria provided, single submitter. Criteria: ACMG Guidelines, 2015. Collection method: clinical testing. Allele origin: germline.
Comment: This variant is classified as likely benign based on ACMG/AMP sequence variant interpretation guidelines (Richards et al. 2015 PMID: 25741868, with internal and published modifications).

Blueprint Genetics
Classification: Likely benign. Last evaluated: 2024-02-13. Review status: criteria provided, single submitter. Criteria: ACMG Guidelines, 2015. Collection method: clinical testing. Allele origin: germline.

Ambry Genetics
Classification: Likely benign for Inborn genetic diseases. Last evaluated: 2019-07-11. Review status: criteria provided, single submitter. Criteria: Ambry Variant Classification Scheme 2023. Collection method: clinical testing. Allele origin: germline.

Clinical Genetics, Academic Medical Center
Classification: Likely benign. Review status: no assertion criteria provided. Collection method: clinical testing. Allele origin: germline. Affected: yes. Study: VKGL Data-share Consensus. Not counted in ClinVar's aggregate classification.

Genome Diagnostics Laboratory, University Medical Center Utrecht
Classification: Likely benign. Review status: no assertion criteria provided. Collection method: clinical testing. Allele origin: germline. Affected: yes. Study: VKGL Data-share Consensus. Not counted in ClinVar's aggregate classification.